The following is an entry in ClinVar:

NM_001134363.3(RBM20):c.1221C>A (p.Pro407=)

Gene: RBM20 (RNA binding motif protein 20; plus strand). Cytogenetic location: 10q25.2.
Variant type: single nucleotide variant.
Coding change: c.1221C>A on transcript NM_001134363.3 (MANE Select); coding-DNA position 1221, C replaced by A.
Protein change: p.Pro407=; no amino-acid change (proline 407 retained).
Molecular consequence: synonymous variant.
Genome position (GRCh38, 1-based): chr10:110,781,830, C>A. VCF-style: chr10-110781830-C-A. GRCh37 (hg19) VCF-style: chr10-112541588-C-A.
Identifiers: ClinVar variation 758939 (VCV000758939.12), dbSNP rs1243243290, ClinGen allele CA471365024.

ClinVar aggregate classification (germline): Likely benign. Review status: criteria provided, multiple submitters, no conflicts (2 of 4 stars). 4 submissions from 4 submitters: Likely benign (3). 1 of the submissions does not count toward it. Last evaluated 2024-06-21.

Conditions:
RBM20-related disorder. Also called: RBM20-related condition.
Cardiovascular phenotype. Identifiers: MedGen CN230736.
Cardiomyopathy (CMYO). Also called: Cardiomyopathies. Identifiers: Orphanet 167848, MedGen C0878544, MONDO:0004994, HP:0001638. Inheritance: Various modes of inheritance.
Dilated cardiomyopathy 1DD (CMD1DD). Identifiers: Orphanet 154, MedGen C2750995, MONDO:0013168, OMIM 613172.

Allele frequency attached by ClinVar (database versions not stated): gnomAD 0.00001; TOPMed 0.00001; 1000 Genomes Project 30x 0.00016.
gnomAD v4.1: 5 of 1,551,784 alleles (0.00032%); highest among the groups gnomAD compares: East Asian, 0.012%; no homozygotes.

Submissions (4):

Ambry Genetics
Classification: Likely benign for Cardiovascular phenotype. Last evaluated: 2024-06-21. Review status: criteria provided, single submitter. Criteria: Ambry Variant Classification Scheme 2023. Collection method: clinical testing. Allele origin: germline.

Labcorp Genetics (formerly Invitae), Labcorp
Classification: Likely benign for Dilated cardiomyopathy 1DD. Last evaluated: 2024-05-20. Review status: criteria provided, single submitter. Criteria: Invitae Variant Classification Sherloc (09022015). Collection method: clinical testing. Allele origin: germline.

CHEO Genetics Diagnostic Laboratory, Children's Hospital of Eastern Ontario
Classification: Likely benign for Cardiomyopathy. Last evaluated: 2020-10-16. Review status: criteria provided, single submitter. Criteria: ACMG Guidelines, 2015. Collection method: clinical testing. Allele origin: germline.

PreventionGenetics, part of Exact Sciences
Classification: Likely benign for RBM20-related condition. Last evaluated: 2024-08-27. Review status: no assertion criteria provided. Collection method: clinical testing. Allele origin: germline. Not counted in ClinVar's aggregate classification.
Comment: This variant is classified as likely benign based on ACMG/AMP sequence variant interpretation guidelines (Richards et al. 2015 PMID: 25741868, with internal and published modifications).